The following is an entry in ClinVar:

ClinVar aggregate classification (germline): Uncertain significance (1 of 4 stars; one submission).

Allele frequency attached by ClinVar (database versions not stated): gnomAD exomes below 0.00001.
gnomAD v4.1: 1 of 1,613,842 alleles (0.000062%); highest among the groups gnomAD compares: Non-Finnish European, 0.000085%; no homozygotes.

Submission:

Labcorp Genetics (formerly Invitae), Labcorp
Classification: Uncertain significance. Last evaluated: 2022-03-23. Review status: criteria provided, single submitter. Criteria: Invitae Variant Classification Sherloc (09022015). Collection method: clinical testing. Allele origin: germline.
Comment: This sequence change replaces glycine, which is neutral and non-polar, with valine, which is neutral and non-polar, at codon 832 of the COL9A1 protein (p.Gly832Val). This variant is not present in population databases (gnomAD no frequency). This variant has not been reported in the literature in individuals affected with COL9A1-related conditions. Advanced modeling of protein sequence and biophysical properties (such as structural, functional, and spatial information, amino acid conservation, physicochemical variation, residue mobility, and thermodynamic stability) performed at Invitae indicates that this missense variant is expected to disrupt COL9A1 protein function. In summary, the available evidence is currently insufficient to determine the role of this variant in disease. Therefore, it has been classified as a Variant of Uncertain Significance.

NM_001851.6(COL9A1):c.2495G>T (p.Gly832Val)

Gene: COL9A1 (collagen type IX alpha 1 chain; minus strand). Cytogenetic location: 6q13.
Variant type: single nucleotide variant.
Coding change: c.2495G>T on transcript NM_001851.6 (MANE Select); coding-DNA position 2495, G replaced by T.
Protein change: p.Gly832Val; replaces glycine 832 with valine.
Molecular consequence: missense variant. On other transcripts: non-coding transcript variant (1).
Genome position (GRCh38, 1-based): chr6:70,232,591, C>A on the plus strand (G>T on the coding strand, the complement: COL9A1 is on the minus strand). VCF-style: chr6-70232591-C-A. GRCh37 (hg19) VCF-style: chr6-70942294-C-A.
Other names: c.1796G>T, p.Gly599Val (NM_001377289.1); c.1619G>T, p.Gly540Val (NM_001377290.1); c.1766G>T, p.Gly589Val (NM_078485.4); short protein forms G589V, G599V, G832V, G540V.
Identifiers: ClinVar variation 2126074 (VCV002126074.4), dbSNP rs201159365, ClinGen allele CA364671521.